The following is an entry in ClinVar:

ClinVar aggregate classification (germline): Uncertain significance (1 of 4 stars; one submission).

Submission:

GeneDx
Classification: Uncertain significance. Last evaluated: 2019-08-29. Review status: criteria provided, single submitter. Criteria: GeneDx Variant Classification Process June 2021. Collection method: clinical testing. Allele origin: germline. Affected: yes.
Comment: Not observed in large population cohorts (Lek et al., 2016); This variant is associated with the following publications: (PMID: 32152250)

NM_001162501.2(TNRC6B):c.933G>A (p.Trp311Ter)

Gene: TNRC6B (trinucleotide repeat containing adaptor 6B; plus strand). Cytogenetic location: 22q13.1.
Variant type: single nucleotide variant.
Coding change: c.933G>A on transcript NM_001162501.2 (MANE Select); coding-DNA position 933, G replaced by A.
Protein change: p.Trp311Ter; replaces tryptophan 311 with a stop codon.
Molecular consequence: nonsense. On other transcripts: intron variant (1).
Genome position (GRCh38, 1-based): chr22:40,265,163, G>A. VCF-style: chr22-40265163-G-A. GRCh37 (hg19) VCF-style: chr22-40661167-G-A.
Other names: c.933G>A, p.Trp311Ter (NM_015088.3); c.565+2990G>A (NM_001024843.2); short protein forms W311*.
Identifiers: ClinVar variation 1321045 (VCV001321045.2), dbSNP rs2146498851, ClinGen allele CA411628336.